The following is an entry in ClinVar:

ClinVar aggregate classification (germline): Benign/Likely benign. Review status: criteria provided, multiple submitters, no conflicts (2 of 4 stars). 8 submissions from 8 submitters: Benign (3); Likely benign (4). 1 of the submissions does not count toward it. Last evaluated 2026-01-01.

Conditions:
ANK1-related disorder. Also called: ANK1-related condition.
Hereditary spherocytosis type 1. Also called: Spherocytosis type 1; ANK1-Related Spherocytosis. Identifiers: Orphanet 822, MedGen C2674218, MONDO:0008447, OMIM 182900.

Allele frequency attached by ClinVar (database versions not stated): 1000 Genomes Project 30x 0.00078; 1000 Genomes Project 0.00100; ESP Exome Variant Server 0.00254; gnomAD 0.00261; TOPMed 0.00272; gnomAD exomes 0.00350 and 0.00371; ExAC 0.00387.
gnomAD v4.1: 5,486 of 1,595,970 alleles (0.34%); highest among the groups gnomAD compares: Middle Eastern, 2.3%; 27 homozygotes.

Submissions (8):

CeGaT Center for Human Genetics Tuebingen
Classification: Likely benign. Last evaluated: 2026-01-01. Review status: criteria provided, single submitter. Criteria: CeGaT Center For Human Genetics Tuebingen Variant Classification Criteria Version 2. Collection method: clinical testing. Allele origin: germline. Affected: yes. Observed: 9 variant alleles.
Comment: ANK1: BS2

ARUP Laboratories, Molecular Genetics and Genomics, ARUP Laboratories
Classification: Benign for Hereditary spherocytosis type 1. Last evaluated: 2025-06-12. Review status: criteria provided, single submitter. Criteria: ARUP Molecular Germline Variant Investigation Process 2024. Collection method: clinical testing. Allele origin: germline.

Mayo Clinic Laboratories, Mayo Clinic
Classification: Likely benign. Last evaluated: 2025-05-06. Review status: criteria provided, single submitter. Criteria: ACMG Guidelines, 2015. Collection method: clinical testing. Allele origin: germline. Observed: 11 variant alleles.
Comment: BS2, BP4, BP7

Genome-Nilou Lab
Classification: Benign for Hereditary spherocytosis type 1. Last evaluated: 2021-12-05. Review status: criteria provided, single submitter. Criteria: ACMG Guidelines, 2015. Collection method: clinical testing. Allele origin: germline. Affected: no.

Fulgent Genetics
Classification: Likely benign for Hereditary spherocytosis type 1. Last evaluated: 2021-10-18. Review status: criteria provided, single submitter. Criteria: ACMG Guidelines, 2015. Collection method: clinical testing. Allele origin: unknown.

Breakthrough Genomics
Classification: Likely benign. Review status: criteria provided, single submitter. Criteria: ACMG Guidelines, 2015. Collection method: not provided. Allele origin: germline. Inheritance: Autosomal dominant inheritance. Affected: yes.

Broad Center for Mendelian Genomics, Broad Institute of MIT and Harvard
Classification: Benign for Hereditary spherocytosis type 1. Review status: criteria provided, single submitter. Criteria: ACMG Guidelines, 2015. Collection method: research. Allele origin: germline. Inheritance: Autosomal dominant inheritance. Affected: yes.
Comment: The heterozygous c.5097-34C>T variant in ANK1 has been identified in an individual with spherocytosis (PMID: 8640229), and has also been identified in >1% of South Asian chromosomes and 3 homozygotes by ExAC. In summary, this variant meets criteria to be classified as benign for autosomal dominant spherocytosis.

PreventionGenetics, part of Exact Sciences
Classification: Likely benign for ANK1-related condition. Last evaluated: 2020-04-01. Review status: no assertion criteria provided. Collection method: clinical testing. Allele origin: germline. Not counted in ClinVar's aggregate classification.
Comment: This variant is classified as likely benign based on ACMG/AMP sequence variant interpretation guidelines (Richards et al. 2015 PMID: 25741868, with internal and published modifications).

Literature cited by the submitters: PubMed 27535533 (cited by Mayo Clinic Laboratories, Mayo Clinic); PubMed 27884173 (cited by Mayo Clinic Laboratories, Mayo Clinic); PubMed 8640229 (cited by Mayo Clinic Laboratories, Mayo Clinic and Broad Center for Mendelian Genomics, Broad Institute of MIT and Harvard).

NM_000037.4(ANK1):c.5097-34C>T

Gene: ANK1 (ankyrin 1; minus strand). Cytogenetic location: 8p11.21.
Variant type: single nucleotide variant.
Coding change: c.5097-34C>T on transcript NM_000037.4 (MANE Select); 34 bases into the intron before coding-DNA position 5097, C replaced by T.
Molecular consequence: intron variant.
Genome position (GRCh38, 1-based): chr8:41,668,598, G>A on the plus strand (C>T on the coding strand, the complement: ANK1 is on the minus strand). VCF-style: chr8-41668598-G-A. GRCh37 (hg19) VCF-style: chr8-41526116-G-A.
Other names: p.?; c.5220-34C>T (NM_001142446.2); c.4611-34C>T (NM_020477.3); c.5097-34C>T (NM_020475.3, NM_020476.3, NM_020476.2).
Identifiers: ClinVar variation 979151 (VCV000979151.41), dbSNP rs185434561, ClinGen allele CA4727374.